The following is an entry in ClinVar:

ClinVar aggregate classification (germline): Uncertain significance. Review status: criteria provided, multiple submitters, no conflicts (2 of 4 stars). 2 submissions from 2 submitters: Uncertain significance (2). Last evaluated 2022-07-01.

Conditions:
Snowflake vitreoretinal degeneration (SVD). Identifiers: Orphanet 91496, MedGen C1860405, MONDO:0008663, OMIM 193230, HP:0011533.

gnomAD v4.1: 1 of 1,606,942 alleles (0.000062%); highest among the groups gnomAD compares: Non-Finnish European, 0.000085%; no homozygotes.

Submissions (2):

CeGaT Center for Human Genetics Tuebingen
Classification: Uncertain significance. Last evaluated: 2022-07-01. Review status: criteria provided, single submitter. Criteria: CeGaT Center For Human Genetics Tuebingen Variant Classification Criteria Version 2. Collection method: clinical testing. Allele origin: germline. Affected: yes. Observed: 2 variant alleles.
Comment: KCNJ13: PM2

Baylor Genetics
Classification: Uncertain significance for Snowflake vitreoretinal degeneration. Last evaluated: 2019-08-03. Review status: criteria provided, single submitter. Criteria: ACMG Guidelines, 2015. Collection method: clinical testing. Allele origin: unknown. Affected: yes.
Comment: This variant was determined to be of uncertain significance according to ACMG Guidelines, 2015 [PMID:25741868].

NM_002242.4(KCNJ13):c.584G>A (p.Arg195Gln)

Genes: GIGYF2 (GRB10 interacting GYF protein 2; plus strand), KCNJ13 (potassium inwardly rectifying channel subfamily J member 13; minus strand). Cytogenetic location: 2q37.1.
Variant type: single nucleotide variant.
Coding change: c.584G>A on transcript NM_002242.4 (MANE Select); coding-DNA position 584, G replaced by A.
Protein change: p.Arg195Gln; replaces arginine 195 with glutamine.
Molecular consequence: missense variant. On other transcripts: 3 prime UTR variant (1), intron variant (4).
Genome position (GRCh38, 1-based): chr2:232,768,690, C>T on the plus strand (G>A on the coding strand, the complement: KCNJ13 is on the minus strand). VCF-style: chr2-232768690-C-T. GRCh37 (hg19) VCF-style: chr2-233633400-C-T.
Other names: c.*63G>A (NM_001172416.1); c.344G>A, p.Arg115Gln (NM_001172417.1); c.532+7254C>T (NM_001103146.3, NM_015575.4, NM_001103147.2 and 1 more transcripts); short protein forms R115Q, R195Q.
Identifiers: ClinVar variation 1012689 (VCV001012689.39), dbSNP rs1699085050, ClinGen allele CA351010134.